The following is an entry in ClinVar:

ClinVar aggregate classification (germline): Uncertain significance (1 of 4 stars; one submission).

Conditions:
Hereditary spastic paraplegia 39 (SPG39). Also called: SPASTIC PARAPLEGIA 39, AUTOSOMAL RECESSIVE; Spastic Paraplegia Type 39 (SPG39). Identifiers: Orphanet 139480, MedGen C2677586, MONDO:0012787, OMIM 612020.

Allele frequency attached by ClinVar (database versions not stated): TOPMed below 0.00001; gnomAD 0.00001; gnomAD exomes 0.00001.
gnomAD v4.1: 18 of 1,613,948 alleles (0.0011%); highest among the groups gnomAD compares: Non-Finnish European, 0.0014%; no homozygotes.

Submission:

Labcorp Genetics (formerly Invitae), Labcorp
Classification: Uncertain significance for Hereditary spastic paraplegia 39. Last evaluated: 2021-08-02. Review status: criteria provided, single submitter. Criteria: Invitae Variant Classification Sherloc (09022015). Collection method: clinical testing. Allele origin: germline.
Comment: This sequence change replaces glutamine with glutamic acid at codon 797 of the PNPLA6 protein (p.Gln797Glu). The glutamine residue is highly conserved and there is a small physicochemical difference between glutamine and glutamic acid. This variant is not present in population databases (ExAC no frequency). This variant has not been reported in the literature in individuals affected with PNPLA6-related conditions. Algorithms developed to predict the effect of missense changes on protein structure and function (SIFT, PolyPhen-2, Align-GVGD) all suggest that this variant is likely to be tolerated. In summary, the available evidence is currently insufficient to determine the role of this variant in disease. Therefore, it has been classified as a Variant of Uncertain Significance.

NM_001166114.2(PNPLA6):c.2503C>G (p.Gln835Glu)

Gene: PNPLA6 (patatin like domain 6, lysophospholipase; plus strand). Cytogenetic location: 19p13.2.
Variant type: single nucleotide variant.
Coding change: c.2503C>G on transcript NM_001166114.2 (MANE Select); coding-DNA position 2503, C replaced by G.
Protein change: p.Gln835Glu; replaces glutamine 835 with glutamic acid.
Molecular consequence: missense variant.
Genome position (GRCh38, 1-based): chr19:7,554,592, C>G. VCF-style: chr19-7554592-C-G. GRCh37 (hg19) VCF-style: chr19-7619478-C-G.
Other names: c.2533C>G, p.Gln845Glu (NM_001166111.2); c.2308C>G, p.Gln770Glu (NM_001166112.2); c.2389C>G, p.Gln797Glu (NM_001166113.1, NM_006702.5); short protein forms Q845E, Q797E, Q770E, Q835E.
Identifiers: ClinVar variation 1447828 (VCV001447828.6), dbSNP rs1001173506, ClinGen allele CA304878876.